The following is an entry in ClinVar:

NM_001368894.2(PAX6):c.591G>A (p.Gly197=)

Gene: PAX6 (paired box 6; minus strand). Cytogenetic location: 11p13.
Variant type: single nucleotide variant.
Coding change: c.591G>A on transcript NM_001368894.2 (MANE Select); coding-DNA position 591, G replaced by A.
Protein change: p.Gly197=; no amino-acid change (glycine 197 retained).
Molecular consequence: synonymous variant. On other transcripts: 5 prime UTR variant (1), non-coding transcript variant (2).
Genome position (GRCh38, 1-based): chr11:31,794,763, C>T on the plus strand (G>A on the coding strand, the complement: PAX6 is on the minus strand). VCF-style: chr11-31794763-C-T. GRCh37 (hg19) VCF-style: chr11-31816311-C-T.
Other names: c.591G>A (NM_001604.5); c.549G>A, p.Gly183= (NM_000280.6, NM_001127612.3, NM_001258464.2 and 10 more transcripts); c.591G>A, p.Gly197= (NM_001258462.3, NM_001258463.2, NM_001310158.2 and 6 more transcripts); c.141G>A, p.Gly47= (NM_001310160.2, NM_001310161.3, NM_001368899.2 and 11 more transcripts); c.792G>A, p.Gly264= (NM_001368910.2); c.594G>A, p.Gly198= (NM_001368911.2); c.666G>A, p.Gly222= (NM_001368918.2, NM_001368919.2); c.624G>A, p.Gly208= (NM_001368920.2); and 3 more.
Identifiers: ClinVar variation 2922392 (VCV002922392.5), dbSNP rs770253438, ClinGen allele CA5933843.

ClinVar aggregate classification (germline): Likely benign. Review status: criteria provided, single submitter (1 of 4 stars). 2 submissions from 2 submitters: Likely benign (1). 1 of the submissions does not count toward it. Last evaluated 2024-11-03.

Conditions:
PAX6-related disorder. Also called: PAX6-related disorders; PAX6-related condition.
Irido-corneo-trabecular dysgenesis (ASGD5). Also called: ANTERIOR SEGMENT DYSGENESIS 5. Identifiers: Orphanet 708, MedGen C0344559, MONDO:0011414, OMIM 604229, HP:0000659.
Aniridia 1 (AN1). Identifiers: Orphanet 250923, MedGen C0344542, MONDO:0024507, OMIM 106210.

Allele frequency attached by ClinVar (database versions not stated): gnomAD exomes below 0.00001; ExAC 0.00001; gnomAD 0.00001; TOPMed 0.00002.
gnomAD v4.1: 7 of 1,613,988 alleles (0.00043%); highest among the groups gnomAD compares: Admixed American, 0.0083%; no homozygotes.

Submissions (2):

Labcorp Genetics (formerly Invitae), Labcorp
Classification: Likely benign for Aniridia 1; Irido-corneo-trabecular dysgenesis. Last evaluated: 2024-11-03. Review status: criteria provided, single submitter. Criteria: Invitae Variant Classification Sherloc (09022015). Collection method: clinical testing. Allele origin: germline.

PreventionGenetics, part of Exact Sciences
Classification: Likely benign for PAX6-related condition. Last evaluated: 2021-04-08. Review status: no assertion criteria provided. Collection method: clinical testing. Allele origin: germline. Not counted in ClinVar's aggregate classification.
Comment: This variant is classified as likely benign based on ACMG/AMP sequence variant interpretation guidelines (Richards et al. 2015 PMID: 25741868, with internal and published modifications).